The following is an entry in ClinVar:

ClinVar aggregate classification (germline): Pathogenic (1 of 4 stars; one submission).

Conditions:
Hyperammonemia, type III (NAGSD). Also called: Hyperammonemia due to N-acetylglutamate synthase deficiency. Identifiers: Orphanet 927, MedGen C0268543, MONDO:0009377, OMIM 237310.

Submission:

Labcorp Genetics (formerly Invitae), Labcorp
Classification: Pathogenic for Hyperammonemia, type III. Last evaluated: 2021-10-02. Review status: criteria provided, single submitter. Criteria: Invitae Variant Classification Sherloc (09022015). Collection method: clinical testing. Allele origin: germline.
Comment: For these reasons, this variant has been classified as Pathogenic. Algorithms developed to predict the effect of sequence changes on RNA splicing suggest that this variant may create or strengthen a splice site. This variant has not been reported in the literature in individuals affected with NAGS-related conditions. The frequency data for this variant in the population databases is considered unreliable, as metrics indicate insufficient coverage at this position in the ExAC database. This sequence change creates a premature translational stop signal (p.Ser100*) in the NAGS gene. It is expected to result in an absent or disrupted protein product. Loss-of-function variants in NAGS are known to be pathogenic (PMID: 12594532).

Literature cited by the submitters: PubMed 12594532.

NM_153006.3(NAGS):c.299C>A (p.Ser100Ter)

Gene: NAGS (N-acetylglutamate synthase; plus strand). Cytogenetic location: 17q21.31.
Variant type: single nucleotide variant.
Coding change: c.299C>A on transcript NM_153006.3 (MANE Select); coding-DNA position 299, C replaced by A.
Protein change: p.Ser100Ter; replaces serine 100 with a stop codon.
Molecular consequence: nonsense.
Genome position (GRCh38, 1-based): chr17:44,004,962, C>A. VCF-style: chr17-44004962-C-A. GRCh37 (hg19) VCF-style: chr17-42082330-C-A.
Other names: short protein forms S100*.
Identifiers: ClinVar variation 1402826 (VCV001402826.6), dbSNP rs764150659, ClinGen allele CA399737458.
Genomic context (GRCh38, chr17:44,004,962, plus strand): 5'-GGGTGCCGAGTCCCAGGCCCCCGGTGCCCCACGAGTCCCCAGAGCCTCCTTCGGGCCGCT[C>A]GCTGGTGCAGCGGGACATCCAGGCCTTCCTGAACCAGTGCGGGGCCAGCCCTGGGGAGGC-3'